The following is an entry in ClinVar:

NM_001112741.2(KCNC1):c.1694-2A>C

Gene: KCNC1 (potassium voltage-gated channel subfamily C member 1; plus strand). Cytogenetic location: 11p15.1.
Variant type: single nucleotide variant.
Coding change: c.1694-2A>C on transcript NM_001112741.2 (MANE Select); the canonical splice acceptor site of the intron before coding-DNA position 1694, A replaced by C.
Molecular consequence: splice acceptor variant.
Genome position (GRCh38, 1-based): chr11:17,781,668, A>C. VCF-style: chr11-17781668-A-C. GRCh37 (hg19) VCF-style: chr11-17803215-A-C.
Identifiers: ClinVar variation 1308831 (VCV001308831.2), dbSNP rs2133811625, ClinGen allele CA379815528.

ClinVar aggregate classification (germline): Uncertain significance (1 of 4 stars; one submission).

Submission:

GeneDx
Classification: Uncertain significance. Last evaluated: 2019-10-22. Review status: criteria provided, single submitter. Criteria: GeneDx Variant Classification Process June 2021. Collection method: clinical testing. Allele origin: germline. Affected: yes.
Comment: Not observed in large population cohorts (Lek et al., 2016); Canonical splice site variant in a gene for which loss-of-function is not a known mechanism of disease; Has not been previously published as pathogenic or benign to our knowledge